The following is an entry in ClinVar:

ClinVar aggregate classification (germline): Conflicting classifications of pathogenicity. Review status: criteria provided, conflicting classifications (1 of 4 stars). 3 submissions from 3 submitters: Likely pathogenic (1); Uncertain significance (1). 1 of the submissions does not count toward it. Last evaluated 2023-11-25.

Conditions:
Pyruvate dehydrogenase E3 deficiency (DLDD). Also called: Dihydrolipoamide Dehydrogenase (E3) Deficiency; MAPLE SYRUP URINE DISEASE, TYPE III; DLD DEFICIENCY; E3 DEFICIENCY; Lipoamide dehydrogenase deficiency, lactic acidosis due to; Dihydrolipoamide Dehydrogenase Deficiency. Identifiers: Orphanet 2394, Orphanet 765, MedGen C5574660, MONDO:0009529, OMIM 246900.

Allele frequency attached by ClinVar (database versions not stated): TOPMed 0.00001; gnomAD 0.00003.
gnomAD v4.1: 2 of 1,613,634 alleles (0.00012%); highest among the groups gnomAD compares: African/African-American, 0.0013%; no homozygotes.

Submissions (3):

GeneDx
Classification: Likely pathogenic. Last evaluated: 2023-11-25. Review status: criteria provided, single submitter. Criteria: GeneDx Variant Classification Process June 2021. Collection method: clinical testing. Allele origin: germline. Affected: yes.
Comment: Not observed at significant frequency in large population cohorts (gnomAD); In silico analysis supports that this missense variant has a deleterious effect on protein structure/function; Has not been previously published as pathogenic or benign to our knowledge

Labcorp Genetics (formerly Invitae), Labcorp
Classification: Uncertain significance for Pyruvate dehydrogenase E3 deficiency. Last evaluated: 2021-06-28. Review status: criteria provided, single submitter. Criteria: Invitae Variant Classification Sherloc (09022015). Collection method: clinical testing. Allele origin: germline.
Comment: In summary, the available evidence is currently insufficient to determine the role of this variant in disease. Therefore, it has been classified as a Variant of Uncertain Significance. Algorithms developed to predict the effect of missense changes on protein structure and function (SIFT, PolyPhen-2, Align-GVGD) all suggest that this variant is likely to be disruptive, but these predictions have not been confirmed by published functional studies and their clinical significance is uncertain. This variant has not been reported in the literature in individuals with DLD-related conditions. ClinVar contains an entry for this variant (Variation ID: 424265). This variant is not present in population databases (ExAC no frequency). This sequence change replaces tyrosine with cysteine at codon 54 of the DLD protein (p.Tyr54Cys). The tyrosine residue is highly conserved and there is a large physicochemical difference between tyrosine and cysteine.

Counsyl
Classification: Uncertain significance for Pyruvate dehydrogenase E3 deficiency. Last evaluated: 2017-12-13. Review status: no assertion criteria provided. Collection method: clinical testing. Allele origin: unknown. Not counted in ClinVar's aggregate classification.

NM_000108.5(DLD):c.161A>G (p.Tyr54Cys)

Gene: DLD (dihydrolipoamide dehydrogenase; plus strand). Cytogenetic location: 7q31.1.
Variant type: single nucleotide variant.
Coding change: c.161A>G on transcript NM_000108.5 (MANE Select); coding-DNA position 161, A replaced by G.
Protein change: p.Tyr54Cys; replaces tyrosine 54 with cysteine.
Molecular consequence: missense variant. On other transcripts: intron variant (1).
Genome position (GRCh38, 1-based): chr7:107,901,780, A>G. VCF-style: chr7-107901780-A-G. GRCh37 (hg19) VCF-style: chr7-107542225-A-G.
Other names: c.161A>G, p.Tyr54Cys (NM_001289751.1, NM_001289752.1); c.-30-1698A>G (NM_001289750.1); short protein forms Y54C.
Identifiers: ClinVar variation 424265 (VCV000424265.13), dbSNP rs763303046, ClinGen allele CA16618344.